The following is an entry in ClinVar:

NM_025137.4(SPG11):c.3803T>C (p.Leu1268Pro)

Gene: SPG11 (SPG11 vesicle trafficking associated, spatacsin; minus strand). Cytogenetic location: 15q21.1.
Variant type: single nucleotide variant.
Coding change: c.3803T>C on transcript NM_025137.4 (MANE Select); coding-DNA position 3803, T replaced by C.
Protein change: p.Leu1268Pro; replaces leucine 1268 with proline.
Molecular consequence: missense variant.
Genome position (GRCh38, 1-based): chr15:44,598,720, A>G on the plus strand (T>C on the coding strand, the complement: SPG11 is on the minus strand). VCF-style: chr15-44598720-A-G. GRCh37 (hg19) VCF-style: chr15-44890918-A-G.
Other names: c.3803T>C, p.Leu1268Pro (NM_001160227.2); short protein forms L1268P.
Identifiers: ClinVar variation 1517132 (VCV001517132.6), dbSNP rs1036205200, ClinGen allele CA270092782.
Genomic context (GRCh38, chr15:44,598,720, plus strand): 5'-GCATCTTCATTTCTGCACTTGTAGCTCAAAATTATATTGGCCACTTTCATATCAACTCTG[A>G]GCTTGAGGCTGTCAAGGCCAAGCAATTCTAAGAAACAAACACATGCAGCTCCTATTGAAG-3'
Protein context (NP_079413.3, residues 1258-1278): LELLGLDSLK[Leu1268Pro]RVDMKVANII

ClinVar aggregate classification (germline): Uncertain significance (1 of 4 stars; one submission).

Conditions:
Hereditary spastic paraplegia 11. Also called: Spastic paraplegia, mental retardation and thin corpus callosum; SPASTIC PARAPLEGIA, AUTOSOMAL RECESSIVE, COMPLICATED, WITH THIN CORPUS CALLOSUM; SPASTIC PARAPLEGIA, AUTOSOMAL RECESSIVE, WITH MENTAL IMPAIRMENT AND THIN CORPUS CALLOSUM; Spastic Paraplegia 11; Nakamura Osame syndrome; Autosomal recessive hereditary spastic paraplegia, mental impairment, and thin corpus callosum. Identifiers: Orphanet 2822, MedGen C1858479, MONDO:0011445, OMIM 604360.

Allele frequency attached by ClinVar (database versions not stated): TOPMed below 0.00001; gnomAD 0.00001.
gnomAD v4.1: 1 of 1,614,078 alleles (0.000062%); highest among the groups gnomAD compares: Non-Finnish European, 0.000085%; no homozygotes.

Submission:

Labcorp Genetics (formerly Invitae), Labcorp
Classification: Uncertain significance for Hereditary spastic paraplegia 11. Last evaluated: 2021-12-03. Review status: criteria provided, single submitter. Criteria: Invitae Variant Classification Sherloc (09022015). Collection method: clinical testing. Allele origin: germline.
Comment: In summary, the available evidence is currently insufficient to determine the role of this variant in disease. Therefore, it has been classified as a Variant of Uncertain Significance. Algorithms developed to predict the effect of missense changes on protein structure and function (SIFT, PolyPhen-2, Align-GVGD) all suggest that this variant is likely to be disruptive. This variant has not been reported in the literature in individuals affected with SPG11-related conditions. This variant is not present in population databases (gnomAD no frequency). This sequence change replaces leucine, which is neutral and non-polar, with proline, which is neutral and non-polar, at codon 1268 of the SPG11 protein (p.Leu1268Pro).